The following is an entry in ClinVar:

ClinVar aggregate classification (germline): Uncertain significance. Review status: criteria provided, multiple submitters, no conflicts (2 of 4 stars). 2 submissions from 2 submitters: Uncertain significance (2). Last evaluated 2025-12-22.

Conditions:
Inborn genetic diseases. Identifiers: MedGen C0950123, MeSH D030342.

Allele frequency attached by ClinVar (database versions not stated): gnomAD exomes 0.00001; TOPMed 0.00006; gnomAD 0.00007; ExAC 0.00001.
gnomAD v4.1: 22 of 1,613,988 alleles (0.0014%); highest among the groups gnomAD compares: African/African-American, 0.02%; 1 homozygote.

Submissions (2):

Labcorp Genetics (formerly Invitae), Labcorp
Classification: Uncertain significance. Last evaluated: 2025-12-22. Review status: criteria provided, single submitter. Criteria: Invitae Variant Classification Sherloc (09022015). Collection method: clinical testing. Allele origin: germline.
Comment: This sequence change replaces glycine, which is neutral and non-polar, with aspartic acid, which is acidic and polar, at codon 219 of the SYT2 protein (p.Gly219Asp). This variant is present in population databases (rs751909179, gnomAD 0.03%), including at least one homozygous and/or hemizygous individual. This variant has not been reported in the literature in individuals affected with SYT2-related conditions. ClinVar contains an entry for this variant (Variation ID: 2474290). Invitae Evidence Modeling of protein sequence and biophysical properties (such as structural, functional, and spatial information, amino acid conservation, physicochemical variation, residue mobility, and thermodynamic stability) indicates that this missense variant is not expected to disrupt SYT2 protein function with a negative predictive value of 80%. In summary, the available evidence is currently insufficient to determine the role of this variant in disease. Therefore, it has been classified as a Variant of Uncertain Significance.

Ambry Genetics
Classification: Uncertain significance for Inborn genetic diseases. Last evaluated: 2023-01-06. Review status: criteria provided, single submitter. Criteria: Ambry Variant Classification Scheme 2023. Collection method: clinical testing. Allele origin: germline.

NM_177402.5(SYT2):c.656G>A (p.Gly219Asp)

Gene: SYT2 (synaptotagmin 2; minus strand). Cytogenetic location: 1q32.1.
Variant type: single nucleotide variant.
Coding change: c.656G>A on transcript NM_177402.5 (MANE Select); coding-DNA position 656, G replaced by A.
Protein change: p.Gly219Asp; replaces glycine 219 with aspartic acid.
Molecular consequence: missense variant.
Genome position (GRCh38, 1-based): chr1:202,602,035, C>T on the plus strand (G>A on the coding strand, the complement: SYT2 is on the minus strand). VCF-style: chr1-202602035-C-T. GRCh37 (hg19) VCF-style: chr1-202571163-C-T.
Other names: c.656G>A, p.Gly219Asp (NM_001136504.1); short protein forms G219D.
Identifiers: ClinVar variation 2474290 (VCV002474290.5), dbSNP rs751909179, ClinGen allele CA1333713.